The following is an entry in ClinVar:

ClinVar aggregate classification (germline): Uncertain significance (1 of 4 stars; one submission).

Conditions:
Cardiovascular phenotype. Identifiers: MedGen CN230736.

Submission:

Ambry Genetics
Classification: Uncertain significance for Cardiovascular phenotype. Last evaluated: 2024-03-28. Review status: criteria provided, single submitter. Criteria: Ambry Variant Classification Scheme 2023. Collection method: clinical testing. Allele origin: germline.
Comment: The p.S44T variant (also known as c.130T>A), located in coding exon 4 of the TNNI3 gene, results from a T to A substitution at nucleotide position 130. The serine at codon 44 is replaced by threonine, an amino acid with similar properties. This amino acid position is highly conserved in available vertebrate species. In addition, the in silico prediction for this alteration is inconclusive. Based on the available evidence, the clinical significance of this alteration remains unclear.

NM_000363.5(TNNI3):c.130T>A (p.Ser44Thr)

Gene: TNNI3 (troponin I3, cardiac type; minus strand). Cytogenetic location: 19q13.42.
Variant type: single nucleotide variant.
Coding change: c.130T>A on transcript NM_000363.5 (MANE Select); coding-DNA position 130, T replaced by A.
Protein change: p.Ser44Thr; replaces serine 44 with threonine.
Molecular consequence: missense variant.
Genome position (GRCh38, 1-based): chr19:55,156,623, A>T on the plus strand (T>A on the coding strand, the complement: TNNI3 is on the minus strand). VCF-style: chr19-55156623-A-T. GRCh37 (hg19) VCF-style: chr19-55667991-A-T.
Other names: short protein forms S44T.
Identifiers: ClinVar variation 1769637 (VCV001769637.3), dbSNP rs2147285302, ClinGen allele CA407442413.